The following is an entry in ClinVar:

ClinVar aggregate classification (germline): Uncertain significance. Review status: criteria provided, multiple submitters, no conflicts (2 of 4 stars). 6 submissions from 5 submitters: Uncertain significance (4). 2 of the submissions do not count toward it. Last evaluated 2025-08-26.

Conditions:
Inborn genetic diseases. Identifiers: MedGen C0950123, MeSH D030342.
Adult polyglucosan body disease (APBN). Also called: POLYGLUCOSAN BODY DISEASE, ADULT FORM; GBE1-Adult Polyglucosan Body Disease. Identifiers: Orphanet 206583, MedGen C1849722, MONDO:0009897, OMIM 263570.
Glycogen storage disease, type IV (GSD4). Also called: CIRRHOSIS, FAMILIAL, WITH DEPOSITION OF ABNORMAL GLYCOGEN; GBE1 DEFICIENCY; GLYCOGEN BRANCHING ENZYME DEFICIENCY; GLYCOGENOSIS IV; GSD IV; AMYLOPECTINOSIS. Identifiers: Orphanet 367, MedGen C0017923, MONDO:0009292, OMIM 232500.

Allele frequency attached by ClinVar (database versions not stated): gnomAD 0.00001; gnomAD exomes 0.00001 and 0.00003; TOPMed 0.00001; ExAC 0.00003.
gnomAD v4.1: 19 of 1,611,540 alleles (0.0012%); highest among the groups gnomAD compares: Admixed American, 0.0017%; no homozygotes.

Submissions (6):

Ambry Genetics
Classification: Uncertain significance for Inborn genetic diseases. Last evaluated: 2025-08-26. Review status: criteria provided, single submitter. Criteria: Ambry Variant Classification Scheme 2023. Collection method: clinical testing. Allele origin: germline.

GeneDx
Classification: Uncertain significance. Last evaluated: 2024-05-06. Review status: criteria provided, single submitter. Criteria: GeneDx Variant Classification Process June 2021. Collection method: clinical testing. Allele origin: germline. Affected: yes.
Comment: In silico analysis supports that this missense variant has a deleterious effect on protein structure/function; Has not been previously published as pathogenic or benign to our knowledge

Illumina Laboratory Services, Illumina
Classification: Uncertain significance for Glycogen storage disease, type IV. Last evaluated: 2018-01-13. Review status: criteria provided, single submitter. Criteria: ICSL Variant Classification Criteria 13 December 2019. Collection method: clinical testing. Allele origin: germline.

Illumina Laboratory Services, Illumina
Classification: Uncertain significance for Adult polyglucosan body disease. Last evaluated: 2018-01-13. Review status: criteria provided, single submitter. Criteria: ICSL Variant Classification Criteria 13 December 2019. Collection method: clinical testing. Allele origin: germline.

Natera, Inc.
Classification: Uncertain significance for Glycogen storage disease type IV. Last evaluated: 2020-08-14. Review status: no assertion criteria provided. Collection method: clinical testing. Allele origin: germline. Not counted in ClinVar's aggregate classification.

Counsyl
Classification: Uncertain significance for Glycogen storage disease, type IV. Last evaluated: 2018-03-07. Review status: no assertion criteria provided. Collection method: clinical testing. Allele origin: unknown. Not counted in ClinVar's aggregate classification.

NM_000158.4(GBE1):c.1874T>G (p.Phe625Cys)

Gene: GBE1 (1,4-alpha-glucan branching enzyme 1; minus strand). Cytogenetic location: 3p12.2.
Variant type: single nucleotide variant.
Coding change: c.1874T>G on transcript NM_000158.4 (MANE Select); coding-DNA position 1874, T replaced by G.
Protein change: p.Phe625Cys; replaces phenylalanine 625 with cysteine.
Molecular consequence: missense variant.
Genome position (GRCh38, 1-based): chr3:81,535,255, A>C on the plus strand (T>G on the coding strand, the complement: GBE1 is on the minus strand). VCF-style: chr3-81535255-A-C. GRCh37 (hg19) VCF-style: chr3-81584406-A-C.
Other names: short protein forms F625C.
Identifiers: ClinVar variation 346784 (VCV000346784.9), dbSNP rs769567764, ClinGen allele CA2499535.
Genomic context (GRCh38, chr3:81,535,255, plus strand): 5'-TTCCCTGGCAATGCTGTTCCAACTCGGTAGTCAGTGTAGCTCTTGCTTGGATGGAAGTTG[A>C]AAATGAAAAGAAGACCTGCTCTTTCAAAAGCAATGATCTTATTGCCTTCATGTTTTTCAC-3'
Protein context (NP_000149.4, residues 615-635): AFERAGLLFI[Phe625Cys]NFHPSKSYTD